The following is an entry in ClinVar:

NM_181078.3(IL21R):c.972C>A (p.Ser324Arg)

Genes: IL21R (interleukin 21 receptor; plus strand), IL21R-AS1 (IL21R antisense RNA 1; minus strand). Cytogenetic location: 16p12.1.
Variant type: single nucleotide variant.
Coding change: c.972C>A on transcript NM_181078.3 (MANE Select); coding-DNA position 972, C replaced by A.
Protein change: p.Ser324Arg; replaces serine 324 with arginine.
Molecular consequence: missense variant. On other transcripts: non-coding transcript variant (1).
Genome position (GRCh38, 1-based): chr16:27,448,638, C>A. VCF-style: chr16-27448638-C-A. GRCh37 (hg19) VCF-style: chr16-27459959-C-A.
Other names: c.972C>A, p.Ser324Arg (NM_021798.4); c.1038C>A, p.Ser346Arg (NM_181079.5); short protein forms S324R, S346R.
Identifiers: ClinVar variation 1053038 (VCV001053038.12), dbSNP rs2141318656, ClinGen allele CA395306927.

ClinVar aggregate classification (germline): Uncertain significance (1 of 4 stars; one submission).

Conditions:
Cryptosporidiosis-chronic cholangitis-liver disease syndrome. Also called: IL21R immunodeficiency; Immunodeficiency type 56. Identifiers: Orphanet 357329, MedGen C3554687, MONDO:0014082, OMIM 615207.

Submission:

Labcorp Genetics (formerly Invitae), Labcorp
Classification: Uncertain significance for Cryptosporidiosis-chronic cholangitis-liver disease syndrome. Last evaluated: 2025-11-03. Review status: criteria provided, single submitter. Criteria: Invitae Variant Classification Sherloc (09022015). Collection method: clinical testing. Allele origin: germline.
Comment: This sequence change replaces serine, which is neutral and polar, with arginine, which is basic and polar, at codon 324 of the IL21R protein (p.Ser324Arg). This variant is not present in population databases (gnomAD no frequency). This variant has not been reported in the literature in individuals affected with IL21R-related conditions. ClinVar contains an entry for this variant (Variation ID: 1053038). Invitae Evidence Modeling of protein sequence and biophysical properties (such as structural, functional, and spatial information, amino acid conservation, physicochemical variation, residue mobility, and thermodynamic stability) has been performed for this missense variant. However, the output from this modeling did not meet the statistical confidence thresholds required to predict the impact of this variant on IL21R protein function. In summary, the available evidence is currently insufficient to determine the role of this variant in disease. Therefore, it has been classified as a Variant of Uncertain Significance.